The following is an entry in ClinVar:

ClinVar aggregate classification (germline): Uncertain significance. Review status: criteria provided, multiple submitters, no conflicts (2 of 4 stars). 4 submissions from 4 submitters: Uncertain significance (4). Last evaluated 2025-05-19.

Conditions:
Hereditary cancer-predisposing syndrome. Also called: Hereditary Cancer Syndrome; Neoplastic Syndromes, Hereditary; Hereditary neoplastic syndrome; Tumor predisposition. Identifiers: Orphanet 140162, MedGen C0027672, MeSH D009386, MONDO:0015356.
Microcephaly, normal intelligence and immunodeficiency (NBS). Also called: Nijmegen breakage syndrome; Microcephaly with normal intelligence immunodeficiency and lymphoreticular malignancies; Nonsyndromal microcephaly autosomal recessive with normal intelligence; Seemanova syndrome 2; Immunodeficiency, microcephaly with normal intelligence; Ataxia telangiectasia variant V1. Identifiers: Orphanet 647, MedGen C0398791, MONDO:0009623, OMIM 251260.

Submissions (4):

GeneDx
Classification: Uncertain significance. Last evaluated: 2025-05-19. Review status: criteria provided, single submitter. Criteria: GeneDx Variant Classification Process June 2021. Collection method: clinical testing. Allele origin: germline. Affected: yes.
Comment: Not observed at significant frequency in large population cohorts (gnomAD); In silico analysis supports that this missense variant has a deleterious effect on protein structure/function; Has not been previously published as pathogenic or benign to our knowledge; This variant is associated with the following publications: (PMID: 24894818)

Ambry Genetics
Classification: Uncertain significance for Hereditary cancer-predisposing syndrome. Last evaluated: 2022-07-30. Review status: criteria provided, single submitter. Criteria: Ambry Variant Classification Scheme 2023. Collection method: clinical testing. Allele origin: germline.
Comment: The p.V691F variant (also known as c.2071G>T) is located in coding exon 14 of the NBN gene. The valine at codon 691 is replaced by phenylalanine, an amino acid with highly similar properties. This change occurs in the first base pair of coding exon 14. This amino acid position is well conserved in available vertebrate species. In addition, this alteration is predicted to be tolerated by in silico analysis. Since supporting evidence is limited at this time, the clinical significance of this alteration remains unclear.

Genome-Nilou Lab
Classification: Uncertain significance for Microcephaly, normal intelligence and immunodeficiency. Last evaluated: 2021-11-07. Review status: criteria provided, single submitter. Criteria: ACMG Guidelines, 2015. Collection method: clinical testing. Allele origin: germline. Affected: no.

Labcorp Genetics (formerly Invitae), Labcorp
Classification: Uncertain significance for Microcephaly, normal intelligence and immunodeficiency. Last evaluated: 2020-02-27. Review status: criteria provided, single submitter. Criteria: Invitae Variant Classification Sherloc (09022015). Collection method: clinical testing. Allele origin: germline.
Comment: In summary, the available evidence is currently insufficient to determine the role of this variant in disease. Therefore, it has been classified as a Variant of Uncertain Significance. Algorithms developed to predict the effect of sequence changes on RNA splicing suggest that this variant may disrupt the consensus splice site, but this prediction has not been confirmed by published transcriptional studies. Algorithms developed to predict the effect of missense changes on protein structure and function are either unavailable or do not agree on the potential impact of this missense change (SIFT: "Tolerated"; PolyPhen-2: "Probably Damaging"; Align-GVGD: "Class C0"). This variant has not been reported in the literature in individuals with NBN-related conditions. This variant is not present in population databases (ExAC no frequency). This sequence change replaces valine with phenylalanine at codon 691 of the NBN protein (p.Val691Phe). The valine residue is weakly conserved and there is a small physicochemical difference between valine and phenylalanine.

NM_002485.5(NBN):c.2071G>T (p.Val691Phe)

Gene: NBN (nibrin; minus strand). Cytogenetic location: 8q21.3.
Variant type: single nucleotide variant.
Coding change: c.2071G>T on transcript NM_002485.5 (MANE Select); coding-DNA position 2071, G replaced by T.
Protein change: p.Val691Phe; replaces valine 691 with phenylalanine.
Molecular consequence: missense variant.
Genome position (GRCh38, 1-based): chr8:89,943,366, C>A on the plus strand (G>T on the coding strand, the complement: NBN is on the minus strand). VCF-style: chr8-89943366-C-A. GRCh37 (hg19) VCF-style: chr8-90955594-C-A.
Other names: c.1825G>T, p.Val609Phe (NM_001024688.3); short protein forms V609F, V691F.
Identifiers: ClinVar variation 820640 (VCV000820640.16), dbSNP rs772059959, ClinGen allele CA371675938.
Genomic context (GRCh38, chr8:89,943,366, plus strand): 5'-GAGCTATTAGATCTGATCCTCCAATGATGTGTGGAAGTTTTCCTGCTCCAGGATATGTGA[C>A]CTATTGAATAATAAAAGTAGTACAGTAAATCATATTAACAAACAAAAATGACCATTTTTT-3'
Protein context (NP_002476.2, residues 681-701): QLKNFKKFKK[Val691Phe]TYPGAGKLPH